The following is an entry in ClinVar:

Single allele

Genes: ATAD5 (ATPase family AAA domain containing 5; plus strand), EVI2B (ecotropic viral integration site 2B; minus strand), MIR193A (microRNA 193a; plus strand), COPRS (coordinator of PRMT5 and differentiation stimulator; minus strand), CRLF3 (cytokine receptor like factor 3; minus strand) and 7 more. Cytogenetic location: 17q11.2.
Variant type: Duplication.
Identifiers: ClinVar variation 374370 (VCV000374370.1).

ClinVar aggregate classification (germline): Likely pathogenic (0 of 4 stars; one submission).

Conditions:
Seizure. Also called: Seizures. Identifiers: MedGen C0036572, HP:0001250.
Global developmental delay (DD). Also called: Cognitive delay. Identifiers: MedGen C0557874, HP:0001263. Disease mechanism: loss of function.
Intellectual disability. Also called: Intellectual developmental disorder; Intellectual functioning disability; intellectual disabilities. Identifiers: MedGen C3714756, MeSH D008607, MONDO:0001071, HP:0001249.

Submission:

Baylor Genetics
Classification: Likely pathogenic for Global developmental delay; Intellectual disability; Seizure. Review status: no assertion criteria provided. Collection method: clinical testing. Allele origin: germline. Inheritance: Autosomal dominant inheritance. Affected: yes.

Literature cited by the submitters: PubMed 22241097.